The following is an entry in ClinVar:

NM_032608.7(MYO18B):c.2555C>T (p.Ala852Val)

Gene: MYO18B (myosin XVIIIB; plus strand). Cytogenetic location: 22q12.1.
Variant type: single nucleotide variant.
Coding change: c.2555C>T on transcript NM_032608.7 (MANE Select); coding-DNA position 2555, C replaced by T.
Protein change: p.Ala852Val; replaces alanine 852 with valine.
Molecular consequence: missense variant.
Genome position (GRCh38, 1-based): chr22:25,823,538, C>T. VCF-style: chr22-25823538-C-T. GRCh37 (hg19) VCF-style: chr22-26219505-C-T.
Other names: c.2555C>T, p.Ala852Val (NM_001318245.2); short protein forms A852V.
Identifiers: ClinVar variation 1395347 (VCV001395347.6), dbSNP rs2089365515, ClinGen allele CA410998776.

ClinVar aggregate classification (germline): Uncertain significance (1 of 4 stars; one submission).

Allele frequency attached by ClinVar (database versions not stated): TOPMed 0.00001.
gnomAD v4.1: 3 of 1,613,948 alleles (0.00019%); no homozygotes.

Submission:

Labcorp Genetics (formerly Invitae), Labcorp
Classification: Uncertain significance. Last evaluated: 2026-01-05. Review status: criteria provided, single submitter. Criteria: Invitae Variant Classification Sherloc (09022015). Collection method: clinical testing. Allele origin: germline.
Comment: This sequence change replaces alanine, which is neutral and non-polar, with valine, which is neutral and non-polar, at codon 852 of the MYO18B protein (p.Ala852Val). This variant is not present in population databases (gnomAD no frequency). This variant has not been reported in the literature in individuals affected with MYO18B-related conditions. ClinVar contains an entry for this variant (Variation ID: 1395347). An algorithm developed to predict the effect of missense changes on protein structure and function (PolyPhen-2) suggests that this variant is likely to be disruptive. In summary, the available evidence is currently insufficient to determine the role of this variant in disease. Therefore, it has been classified as a Variant of Uncertain Significance.